The following is an entry in ClinVar:

NM_000051.4(ATM):c.7600G>A (p.Gly2534Ser)

Genes: ATM (ATM serine/threonine kinase; plus strand), C11orf65 (chromosome 11 open reading frame 65; minus strand). Cytogenetic location: 11q22.3.
Variant type: single nucleotide variant.
Coding change: c.7600G>A on transcript NM_000051.4 (MANE Select); coding-DNA position 7600, G replaced by A.
Protein change: p.Gly2534Ser; replaces glycine 2534 with serine.
Molecular consequence: missense variant. On other transcripts: non-coding transcript variant (1), intron variant (2).
Genome position (GRCh38, 1-based): chr11:108,331,528, G>A. VCF-style: chr11-108331528-G-A. GRCh37 (hg19) VCF-style: chr11-108202255-G-A.
Other names: c.7600G>A, p.Gly2534Ser (NM_001351834.2); c.641-22457C>T (NM_001330368.2); c.*38+3692C>T (NM_001351110.2); short protein forms G2534S.
Identifiers: ClinVar variation 482692 (VCV000482692.7), dbSNP rs1555124094, ClinGen allele CA382560810.

ClinVar aggregate classification (germline): Uncertain significance (1 of 4 stars; one submission).

Conditions:
Hereditary cancer-predisposing syndrome. Also called: Neoplastic Syndromes, Hereditary; Hereditary Cancer Syndrome; Tumor predisposition; Hereditary neoplastic syndrome. Identifiers: Orphanet 140162, MedGen C0027672, MeSH D009386, MONDO:0015356.

Submission:

Ambry Genetics
Classification: Uncertain significance for Hereditary cancer-predisposing syndrome. Last evaluated: 2017-02-18. Review status: criteria provided, single submitter. Criteria: Ambry Variant Classification Scheme 2023. Collection method: clinical testing. Allele origin: germline.
Comment: The p.G2534S variant (also known as c.7600G>A), located in coding exon 50 of the ATM gene, results from a G to A substitution at nucleotide position 7600. The glycine at codon 2534 is replaced by serine, an amino acid with similar properties. This amino acid position is highly conserved through mammals but not in all available vertebrate species. In addition, this alteration is predicted to be tolerated by in silico analysis. Since supporting evidence is limited at this time, the clinical significance of this alteration remains unclear.